The following is an entry in ClinVar:

NM_001378454.1(ALMS1):c.7492G>A (p.Glu2498Lys)

Gene: ALMS1 (ALMS1 centrosome and basal body associated protein; plus strand). Cytogenetic location: 2p13.1.
Variant type: single nucleotide variant.
Coding change: c.7492G>A on transcript NM_001378454.1 (MANE Select); coding-DNA position 7492, G replaced by A.
Protein change: p.Glu2498Lys; replaces glutamic acid 2498 with lysine.
Molecular consequence: missense variant.
Genome position (GRCh38, 1-based): chr2:73,454,019, G>A. VCF-style: chr2-73454019-G-A. GRCh37 (hg19) VCF-style: chr2-73681146-G-A.
Other names: c.7495G>A, p.Glu2499Lys (NM_015120.4); short protein forms E2499K, E2498K.
Identifiers: ClinVar variation 391272 (VCV000391272.2), dbSNP rs1057524023, ClinGen allele CA16604280.

ClinVar aggregate classification (germline): Uncertain significance (1 of 4 stars; one submission).

Submission:

GeneDx
Classification: Uncertain significance. Last evaluated: 2016-12-02. Review status: criteria provided, single submitter. Criteria: GeneDx Variant Classification (06012015). Collection method: clinical testing. Allele origin: germline. Affected: yes.
Comment: A variant of uncertain significance has been identified in the ALMS1 gene. The E2499K variant has not been published as a pathogenic variant, nor has it been reported as a benign variant to our knowledge. This variant was not observed in approximately 6,000 individuals of European and African American ancestry in the NHLBI Exome Sequencing Project, indicating it is not a common benign variant in these populations. The E2499K variant is a non-conservative amino acid substitution, which is likely to impact secondary protein structure as these residues differ in polarity, charge, size and/or other properties. However, this substitution occurs at a position that is not conserved across species and in silico analysis suggests that this variant likely does not alter the protein structure/function.